The following is an entry in ClinVar:

ClinVar aggregate classification (germline): Uncertain significance (1 of 4 stars; one submission).

Conditions:
Deficiency of malonyl-CoA decarboxylase. Also called: Malonic aciduria; MCD deficiency. Identifiers: Orphanet 943, MedGen C0342793, MONDO:0009556, OMIM 248360.

gnomAD v4.1: 6 of 1,181,014 alleles (0.00051%); highest among the groups gnomAD compares: Admixed American, 0.0046%; no homozygotes.

Submission:

Labcorp Genetics (formerly Invitae), Labcorp
Classification: Uncertain significance for Deficiency of malonyl-CoA decarboxylase. Last evaluated: 2022-07-05. Review status: criteria provided, single submitter. Criteria: Invitae Variant Classification Sherloc (09022015). Collection method: clinical testing. Allele origin: germline.
Comment: This sequence change replaces proline, which is neutral and non-polar, with serine, which is neutral and polar, at codon 20 of the MLYCD protein (p.Pro20Ser). This variant is not present in population databases (gnomAD no frequency). This variant has not been reported in the literature in individuals affected with MLYCD-related conditions. ClinVar contains an entry for this variant (Variation ID: 1407012). Algorithms developed to predict the effect of missense changes on protein structure and function output the following: SIFT: "Tolerated"; PolyPhen-2: "Benign"; Align-GVGD: "Class C0". The serine amino acid residue is found in multiple mammalian species, which suggests that this missense change does not adversely affect protein function. In summary, the available evidence is currently insufficient to determine the role of this variant in disease. Therefore, it has been classified as a Variant of Uncertain Significance.

NM_012213.3(MLYCD):c.58C>T (p.Pro20Ser)

Genes: MLYCD (malonyl-CoA decarboxylase; plus strand), LOC130059554 (ATAC-STARR-seq lymphoblastoid silent region 7769; plus strand). Cytogenetic location: 16q23.3.
Variant type: single nucleotide variant.
Coding change: c.58C>T on transcript NM_012213.3 (MANE Select); coding-DNA position 58, C replaced by T.
Protein change: p.Pro20Ser; replaces proline 20 with serine.
Molecular consequence: missense variant.
Genome position (GRCh38, 1-based): chr16:83,899,202, C>T. VCF-style: chr16-83899202-C-T. GRCh37 (hg19) VCF-style: chr16-83932807-C-T.
Other names: short protein forms P20S.
Identifiers: ClinVar variation 1407012 (VCV001407012.5), dbSNP rs1292718330, ClinGen allele CA396917558.